The following is an entry in ClinVar:

ClinVar aggregate classification (germline): Uncertain significance (1 of 4 stars; one submission).

gnomAD v4.1: 2 of 1,596,134 alleles (0.00013%); highest among the groups gnomAD compares: Non-Finnish European, 0.00017%; no homozygotes.

Submission:

GeneDx
Classification: Uncertain significance. Last evaluated: 2026-08-25. Review status: criteria provided, single submitter. Criteria: GeneDx Variant Classification Process June 2021. Collection method: clinical testing. Allele origin: germline.
Comment: Not observed at significant frequency in large population cohorts (gnomAD); In silico analysis supports that this missense variant has a deleterious effect on protein structure/function; Has not been previously published as pathogenic or benign to our knowledge

NM_015570.4(AUTS2):c.2893C>T (p.Arg965Cys)

Gene: AUTS2 (activator of transcription and developmental regulator AUTS2; plus strand). Cytogenetic location: 7q11.22.
Variant type: single nucleotide variant.
Coding change: c.2893C>T on transcript NM_015570.4 (MANE Select); coding-DNA position 2893, C replaced by T.
Protein change: p.Arg965Cys; replaces arginine 965 with cysteine.
Molecular consequence: missense variant.
Genome position (GRCh38, 1-based): chr7:70,790,109, C>T. VCF-style: chr7-70790109-C-T. GRCh37 (hg19) VCF-style: chr7-70255095-C-T.
Other names: c.2821C>T, p.Arg941Cys (NM_001127231.3); short protein forms R941C, R965C.
Identifiers: ClinVar variation 3370600 (VCV003370600.3).
Genomic context (GRCh38, chr7:70,790,109, plus strand): 5'-CGGACCCCGGTGGTGGAGAGTGCCAGGCCCAACAGCACCTCGAGCCGGGAGGCCGAGCCG[C>T]GCAAGGGTGAGCCGGCCTACGAGAACCCCAAGAAGAGCTCCGAGGTCAAGGTGAAGGAGG-3'
Protein context (NP_056385.1, residues 955-975): NSTSSREAEP[Arg965Cys]KGEPAYENPK